The following is an entry in ClinVar:

ClinVar aggregate classification (germline): Uncertain significance (1 of 4 stars; one submission).

gnomAD v4.1: 89 of 1,536,500 alleles (0.0058%); highest among the groups gnomAD compares: Non-Finnish European, 0.0075%; no homozygotes.

Submission:

Labcorp Genetics (formerly Invitae), Labcorp
Classification: Uncertain significance. Last evaluated: 2022-01-07. Review status: criteria provided, single submitter. Criteria: Invitae Variant Classification Sherloc (09022015). Collection method: clinical testing. Allele origin: germline.
Comment: This sequence change replaces aspartic acid, which is acidic and polar, with glutamic acid, which is acidic and polar, at codon 64 of the TTPA protein (p.Asp64Glu). This variant is present in population databases (no rsID available, gnomAD 0.005%). This variant has not been reported in the literature in individuals affected with TTPA-related conditions. Algorithms developed to predict the effect of missense changes on protein structure and function output the following: SIFT: "Tolerated"; PolyPhen-2: "Benign"; Align-GVGD: "Class C0". The glutamic acid amino acid residue is found in multiple mammalian species, which suggests that this missense change does not adversely affect protein function. In summary, the available evidence is currently insufficient to determine the role of this variant in disease. Therefore, it has been classified as a Variant of Uncertain Significance.

NM_000370.3(TTPA):c.192C>A (p.Asp64Glu)

Gene: TTPA (alpha tocopherol transfer protein; minus strand). Cytogenetic location: 8q12.3.
Variant type: single nucleotide variant.
Coding change: c.192C>A on transcript NM_000370.3 (MANE Select); coding-DNA position 192, C replaced by A.
Protein change: p.Asp64Glu; replaces aspartic acid 64 with glutamic acid.
Molecular consequence: missense variant.
Genome position (GRCh38, 1-based): chr8:63,085,830, G>T on the plus strand (C>A on the coding strand, the complement: TTPA is on the minus strand). VCF-style: chr8-63085830-G-T. GRCh37 (hg19) VCF-style: chr8-63998389-G-T.
Other names: short protein forms D64E.
Identifiers: ClinVar variation 1384799 (VCV001384799.3), dbSNP rs557316937, ClinGen allele CA178858399.